The following is an entry in ClinVar:

NM_022482.5(GZF1):c.912G>C (p.Glu304Asp)

Gene: GZF1 (GDNF inducible zinc finger protein 1; plus strand). Cytogenetic location: 20p11.21.
Variant type: single nucleotide variant.
Coding change: c.912G>C on transcript NM_022482.5 (MANE Select); coding-DNA position 912, G replaced by C.
Protein change: p.Glu304Asp; replaces glutamic acid 304 with aspartic acid.
Molecular consequence: missense variant.
Genome position (GRCh38, 1-based): chr20:23,365,295, G>C. VCF-style: chr20-23365295-G-C. GRCh37 (hg19) VCF-style: chr20-23345932-G-C.
Other names: c.912G>C (NM_022482.3); c.912G>C, p.Glu304Asp (NM_001317012.2, NM_001317019.1); short protein forms E304D.
Identifiers: ClinVar variation 1373485 (VCV001373485.7), dbSNP rs1568584894, ClinGen allele CA408410606.

ClinVar aggregate classification (germline): Uncertain significance. Review status: criteria provided, multiple submitters, no conflicts (2 of 4 stars). 2 submissions from 2 submitters: Uncertain significance (2). Last evaluated 2022-07-12.

Conditions:
Inborn genetic diseases. Identifiers: MedGen C0950123, MeSH D030342.

Allele frequency attached by ClinVar (database versions not stated): gnomAD exomes 0.00001.
gnomAD v4.1: 8 of 1,607,136 alleles (0.0005%); highest among the groups gnomAD compares: Non-Finnish European, 0.0006%; no homozygotes.

Submissions (2):

Labcorp Genetics (formerly Invitae), Labcorp
Classification: Uncertain significance. Last evaluated: 2022-07-12. Review status: criteria provided, single submitter. Criteria: Invitae Variant Classification Sherloc (09022015). Collection method: clinical testing. Allele origin: germline.
Comment: The frequency data for this variant in the population databases is considered unreliable, as metrics indicate poor data quality at this position in the gnomAD database. This variant has not been reported in the literature in individuals affected with GZF1-related conditions. ClinVar contains an entry for this variant (Variation ID: 1373485). Algorithms developed to predict the effect of missense changes on protein structure and function output the following: SIFT: "Not Available"; PolyPhen-2: "Benign"; Align-GVGD: "Not Available". The aspartic acid amino acid residue is found in multiple mammalian species, which suggests that this missense change does not adversely affect protein function. In summary, the available evidence is currently insufficient to determine the role of this variant in disease. Therefore, it has been classified as a Variant of Uncertain Significance. This sequence change replaces glutamic acid with aspartic acid at codon 304 of the GZF1 protein (p.Glu304Asp). The glutamic acid residue is weakly conserved and there is a small physicochemical difference between glutamic acid and aspartic acid.

Ambry Genetics
Classification: Uncertain significance for Inborn genetic diseases. Last evaluated: 2021-06-22. Review status: criteria provided, single submitter. Criteria: Ambry Variant Classification Scheme 2023. Collection method: clinical testing. Allele origin: germline.